The following is an entry in ClinVar:

NM_000548.5(TSC2):c.4095G>A (p.Ser1365=)

Gene: TSC2 (TSC complex subunit 2; plus strand). Cytogenetic location: 16p13.3.
Variant type: single nucleotide variant.
Coding change: c.4095G>A on transcript NM_000548.5 (MANE Select); coding-DNA position 4095, G replaced by A.
Protein change: p.Ser1365=; no amino-acid change (serine 1365 retained).
Molecular consequence: synonymous variant.
Genome position (GRCh38, 1-based): chr16:2,084,317, G>A. VCF-style: chr16-2084317-G-A. GRCh37 (hg19) VCF-style: chr16-2134318-G-A.
Other names: c.3894G>A, p.Ser1298= (NM_001077183.3); c.4026G>A, p.Ser1342= (NM_001114382.3); c.3786G>A, p.Ser1262= (NM_001318827.2); c.3750G>A, p.Ser1250= (NM_001318829.2); c.3363G>A, p.Ser1121= (NM_001318831.2); c.3927G>A, p.Ser1309= (NM_001318832.2); c.3897G>A, p.Ser1299= (NM_001363528.2); c.3963G>A, p.Ser1321= (NM_001370404.1); and 2 more.
Identifiers: ClinVar variation 65044 (VCV000065044.50), dbSNP rs139630605, ClinGen allele CA019941.

ClinVar aggregate classification (germline): Benign/Likely benign. Review status: criteria provided, multiple submitters, no conflicts (2 of 4 stars). 12 submissions from 12 submitters: Benign (6); Likely benign (5). 1 of the submissions does not count toward it. Last evaluated 2026-02-04.

Conditions:
TSC2-related disorder. Also called: TSC2-related condition; TSC2-Related Disorders.
Hereditary cancer-predisposing syndrome. Also called: Hereditary Cancer Syndrome; Tumor predisposition; Neoplastic Syndromes, Hereditary; Hereditary neoplastic syndrome. Identifiers: Orphanet 140162, MedGen C0027672, MeSH D009386, MONDO:0015356.
Tuberous sclerosis syndrome (TSC). Also called: Tuberous Sclerosis Complex; Tuberous sclerosis. Identifiers: Orphanet 805, MedGen C0041341, MONDO:0001734.
Tuberous sclerosis 2 (TSC2). Identifiers: Orphanet 805, MedGen C1860707, MONDO:0013199, OMIM 613254.

Allele frequency attached by ClinVar (database versions not stated): ExAC 0.00027; gnomAD exomes 0.00027; TOPMed 0.00007; ESP Exome Variant Server 0.00008; 1000 Genomes Project 30x 0.00016; 1000 Genomes Project 0.00020; gnomAD 0.00025.
gnomAD v4.1: 227 of 1,612,738 alleles (0.014%); highest among the groups gnomAD compares: South Asian, 0.0077%; no homozygotes.

Submissions (12):

Labcorp Genetics (formerly Invitae), Labcorp
Classification: Benign for Tuberous sclerosis 2. Last evaluated: 2026-02-04. Review status: criteria provided, single submitter. Criteria: Invitae Variant Classification Sherloc (09022015). Collection method: clinical testing. Allele origin: germline.

CeGaT Center for Human Genetics Tuebingen
Classification: Likely benign. Last evaluated: 2025-10-01. Review status: criteria provided, single submitter. Criteria: CeGaT Center For Human Genetics Tuebingen Variant Classification Criteria Version 2. Collection method: clinical testing. Allele origin: germline. Affected: yes. Observed: 3 variant alleles.
Comment: TSC2: BP4, BP7

Myriad Genetics, Inc.
Classification: Benign for Tuberous sclerosis 2. Last evaluated: 2025-06-02. Review status: criteria provided, single submitter. Criteria: Myriad Autosomal Dominant, Autosomal Recessive and X-Linked Classification Criteria (2023). Collection method: clinical testing. Allele origin: unknown.
Comment: This variant is considered benign. This variant is a silent/synonymous amino acid change and it is not expected to impact splicing.

PreventionGenetics, part of Exact Sciences
Classification: Likely benign for TSC2-related condition. Last evaluated: 2024-12-02. Review status: criteria provided, single submitter. Criteria: ACMG Guidelines, 2015. Collection method: clinical testing. Allele origin: germline.
Comment: This variant is classified as likely benign based on ACMG/AMP sequence variant interpretation guidelines (Richards et al. 2015 PMID: 25741868, with internal and published modifications).

Blueprint Genetics
Classification: Likely benign. Last evaluated: 2024-05-20. Review status: criteria provided, single submitter. Criteria: ACMG Guidelines, 2015. Collection method: clinical testing. Allele origin: germline.

All of Us Research Program, National Institutes of Health
Classification: Benign for Tuberous sclerosis syndrome. Last evaluated: 2023-12-01. Review status: criteria provided, single submitter. Criteria: ACMG Guidelines, 2015. Collection method: clinical testing. Allele origin: germline. Inheritance: Autosomal dominant inheritance. Observed: 8 variant alleles, 8 heterozygotes.
Comment: This study involves interpretation of variants in research participants for the purpose of population health screening. Participant phenotype was not available at the time of variant classification. Additional details can be found in publication PMID: 35346344, PMCID: PMC8962531

Color Diagnostics, LLC DBA Color Health
Classification: Benign for Tuberous sclerosis syndrome. Last evaluated: 2022-10-05. Review status: criteria provided, single submitter. Criteria: ACMG Guidelines, 2015. Collection method: clinical testing. Allele origin: germline.

Genome-Nilou Lab
Classification: Benign for Tuberous sclerosis 2. Last evaluated: 2021-11-07. Review status: criteria provided, single submitter. Criteria: ACMG Guidelines, 2015. Collection method: clinical testing. Allele origin: germline. Affected: no.

Sema4
Classification: Benign for Hereditary cancer-predisposing syndrome. Last evaluated: 2020-07-02. Review status: criteria provided, single submitter. Criteria: Sema4 Curation Guidelines. Collection method: curation. Allele origin: germline.

GeneDx
Classification: Likely benign. Last evaluated: 2017-11-29. Review status: criteria provided, single submitter. Criteria: GeneDx Variant Classification (06012015). Collection method: clinical testing. Allele origin: germline. Affected: yes.
Comment: This variant is considered likely benign or benign based on one or more of the following criteria: it is a conservative change, it occurs at a poorly conserved position in the protein, it is predicted to be benign by multiple in silico algorithms, and/or has population frequency not consistent with disease.

Ambry Genetics
Classification: Likely benign for Hereditary cancer-predisposing syndrome. Last evaluated: 2016-02-19. Review status: criteria provided, single submitter. Criteria: Ambry Variant Classification Scheme 2023. Collection method: clinical testing. Allele origin: germline.

Tuberous sclerosis database (TSC2)
No classification provided. Condition: TSC. Review status: no classification provided. Criteria: Tuberous Sclerosis Database Assertion Criteria 2015. Collection method: curation. Allele origin: germline. Affected: yes. Not counted in ClinVar's aggregate classification.